The following is an entry in ClinVar:

ClinVar aggregate classification (germline): Uncertain significance (1 of 4 stars; one submission).

Allele frequency attached by ClinVar (database versions not stated): gnomAD exomes 0.00001.
gnomAD v4.1: 3 of 1,613,592 alleles (0.00019%); highest among the groups gnomAD compares: Admixed American, 0.005%; no homozygotes.

Submission:

Labcorp Genetics (formerly Invitae), Labcorp
Classification: Uncertain significance. Last evaluated: 2021-04-28. Review status: criteria provided, single submitter. Criteria: Invitae Variant Classification Sherloc (09022015). Collection method: clinical testing. Allele origin: germline.
Comment: This variant has not been reported in the literature in individuals with PTPN23-related conditions. This variant is not present in population databases (ExAC no frequency). Algorithms developed to predict the effect of missense changes on protein structure and function are either unavailable or do not agree on the potential impact of this missense change (SIFT: "Tolerated"; PolyPhen-2: "Not Available"; Align-GVGD: "Class C0"). In summary, the available evidence is currently insufficient to determine the role of this variant in disease. Therefore, it has been classified as a Variant of Uncertain Significance. This sequence change replaces phenylalanine with isoleucine at codon 266 of the PTPN23 protein (p.Phe266Ile). The phenylalanine residue is moderately conserved and there is a small physicochemical difference between phenylalanine and isoleucine.

NM_015466.4(PTPN23):c.796T>A (p.Phe266Ile)

Gene: PTPN23 (protein tyrosine phosphatase non-receptor type 23; plus strand). Cytogenetic location: 3p21.31.
Variant type: single nucleotide variant.
Coding change: c.796T>A on transcript NM_015466.4 (MANE Select); coding-DNA position 796, T replaced by A.
Protein change: p.Phe266Ile; replaces phenylalanine 266 with isoleucine.
Molecular consequence: missense variant.
Genome position (GRCh38, 1-based): chr3:47,406,739, T>A. VCF-style: chr3-47406739-T-A. GRCh37 (hg19) VCF-style: chr3-47448229-T-A.
Other names: c.418T>A, p.Phe140Ile (NM_001304482.2); short protein forms F266I, F140I.
Identifiers: ClinVar variation 1501854 (VCV001501854.8), dbSNP rs549990673, ClinGen allele CA352546058.
Genomic context (GRCh38, chr3:47,406,739, plus strand): 5'-GTGGCGTCTCTTCTTCTTTCCCAGCTGCACATGGGAAAGCAGGCCGAGGAGCAGCAGAAG[T>A]TCGGGGAGCGGGTGAGCTACAGCGAGGAGGGGACTGGGGACCAATGGCAGCCTTCAGTGA-3'
Protein context (NP_056281.1, residues 256-276): MGKQAEEQQK[Phe266Ile]GERVAYFQSA